The following is an entry in ClinVar:

ClinVar aggregate classification (germline): Likely benign. Review status: criteria provided, single submitter (1 of 4 stars). 2 submissions from 2 submitters: Likely benign (1). 1 of the submissions does not count toward it. Last evaluated 2025-09-04.

Conditions:
ACAN-related disorder. Also called: ACAN-related condition; ACAN-related disorders.

Allele frequency attached by ClinVar (database versions not stated): gnomAD 0.00001; gnomAD exomes 0.00001; TOPMed 0.00001.
gnomAD v4.1: 11 of 1,613,508 alleles (0.00068%); highest among the groups gnomAD compares: Non-Finnish European, 0.00085%; no homozygotes.

Submissions (2):

Labcorp Genetics (formerly Invitae), Labcorp
Classification: Likely benign. Last evaluated: 2025-09-04. Review status: criteria provided, single submitter. Criteria: Invitae Variant Classification Sherloc (09022015). Collection method: clinical testing. Allele origin: germline.

PreventionGenetics, part of Exact Sciences
Classification: Likely benign for ACAN-related condition. Last evaluated: 2019-07-30. Review status: no assertion criteria provided. Collection method: clinical testing. Allele origin: germline. Not counted in ClinVar's aggregate classification.
Comment: This variant is classified as likely benign based on ACMG/AMP sequence variant interpretation guidelines (Richards et al. 2015 PMID: 25741868, with internal and published modifications).

NM_001369268.1(ACAN):c.678G>A (p.Glu226=)

Gene: ACAN (aggrecan; plus strand). Cytogenetic location: 15q26.1.
Variant type: single nucleotide variant.
Coding change: c.678G>A on transcript NM_001369268.1 (MANE Select); coding-DNA position 678, G replaced by A.
Protein change: p.Glu226=; no amino-acid change (glutamic acid 226 retained).
Molecular consequence: synonymous variant.
Genome position (GRCh38, 1-based): chr15:88,841,788, G>A. VCF-style: chr15-88841788-G-A. GRCh37 (hg19) VCF-style: chr15-89385019-G-A.
Other names: c.678G>A, p.Glu226= (NM_001135.4, NM_001411096.1, NM_001411097.1 and 1 more transcripts); c.678G>A (NM_013227.3).
Identifiers: ClinVar variation 2155915 (VCV002155915.6), dbSNP rs894578695, ClinGen allele CA274467280.